The following is an entry in ClinVar:

ClinVar aggregate classification (germline): Uncertain significance (1 of 4 stars; one submission).

gnomAD v4.1: 4 of 1,614,072 alleles (0.00025%); highest among the groups gnomAD compares: Non-Finnish European, 0.00034%; no homozygotes.

Submission:

Labcorp Genetics (formerly Invitae), Labcorp
Classification: Uncertain significance. Last evaluated: 2024-12-16. Review status: criteria provided, single submitter. Criteria: Invitae Variant Classification Sherloc (09022015). Collection method: clinical testing. Allele origin: germline.
Comment: This sequence change creates a premature translational stop signal (p.Glu1221*) in the RBP3 gene. While this is not anticipated to result in nonsense mediated decay, it is expected to disrupt the last 27 amino acid(s) of the RBP3 protein. This variant is not present in population databases (gnomAD no frequency). This variant has not been reported in the literature in individuals affected with RBP3-related conditions. ClinVar contains an entry for this variant (Variation ID: 1350938). Experimental studies and prediction algorithms are not available or were not evaluated, and the functional significance of this variant is currently unknown. In summary, the available evidence is currently insufficient to determine the role of this variant in disease. Therefore, it has been classified as a Variant of Uncertain Significance.

NM_002900.3(RBP3):c.3661G>T (p.Glu1221Ter)

Gene: RBP3 (retinol binding protein 3; plus strand). Cytogenetic location: 10q11.22.
Variant type: single nucleotide variant.
Coding change: c.3661G>T on transcript NM_002900.3 (MANE Select); coding-DNA position 3661, G replaced by T.
Protein change: p.Glu1221Ter; replaces glutamic acid 1221 with a stop codon.
Molecular consequence: nonsense.
Genome position (GRCh38, 1-based): chr10:47,357,374, G>T. VCF-style: chr10-47357374-G-T. GRCh37 (hg19) VCF-style: chr10-48381988-C-A.
Other names: short protein forms E1221*.
Identifiers: ClinVar variation 1350938 (VCV001350938.5), dbSNP rs555568551, ClinGen allele CA206470334.